The following is an entry in ClinVar:

NM_001363711.2(DUOX2):c.602dup (p.Gln202fs)

Gene: DUOX2 (dual oxidase 2; minus strand). Cytogenetic location: 15q21.1.
Variant type: Duplication.
Coding change: c.602dup on transcript NM_001363711.2 (MANE Select); coding-DNA position 602, one base duplicated (G; older notation c.602dupG).
Protein change: p.Gln202fs; shifts the reading frame from glutamine 202.
Molecular consequence: frameshift variant.
Genome position (GRCh38, 1-based): chr15:45,111,497, C duplicated on the plus strand (G on the coding strand, the reverse complement: DUOX2 is on the minus strand); the first of 6 consecutive C bases (chr15:45,111,497-45,111,502); duplicating any one gives the same sequence. VCF-style (leftmost placement, unchanged base first): chr15-45111496-T-TC. GRCh37 (hg19) VCF-style: chr15-45403694-T-TC.
Other names: c.601_602insG (NM_001363711.2); c.602dupG (NM_014080.5, NM_014080.4, NM_001363711.2); c.602dup, p.Gln202fs (NM_014080.5); short protein forms Q202fs.
Identifiers: ClinVar variation 279800 (VCV000279800.45), dbSNP rs567500345, ClinGen allele CA7538892.

ClinVar aggregate classification (germline): Pathogenic/Likely pathogenic. Review status: criteria provided, multiple submitters, no conflicts (2 of 4 stars). 23 submissions from 23 submitters: Pathogenic (16); Likely pathogenic (3). 4 of the submissions do not count toward it. Last evaluated 2026-06-02.

Conditions:
DUOX2-related disorder. Also called: DUOX2-related condition.
Thyroid dyshormonogenesis 6 (TDH6). Also called: THYROID HORMONOGENESIS, GENETIC DEFECT IN, 6; Genetic transient congenital hypothyroidism; HYPOTHYROIDISM, CONGENITAL, DUE TO DYSHORMONOGENESIS, 6. Identifiers: Orphanet 226316, Orphanet 95716, MedGen C1846632, MONDO:0011792, OMIM 607200.
Familial thyroid dyshormonogenesis. Identifiers: Orphanet 95716, MedGen C4273748, MONDO:0010132.
Inborn genetic diseases. Identifiers: MedGen C0950123, MeSH D030342.
Congenital hypothyroidism. Identifiers: Orphanet 442, MedGen C0010308, MONDO:0018612, HP:0000851.

Submissions 1 to 10 of 23:

Women's Health and Genetics/Laboratory Corporation of America, LabCorp
Classification: Pathogenic for Thyroid dyshormonogenesis 6. Last evaluated: 2026-06-02. Review status: criteria provided, single submitter. Criteria: LabCorp Variant Classification Summary - May 2015. Collection method: clinical testing. Allele origin: germline.
Comment: Variant summary: DUOX2 c.602dupG (p.Gln202ThrfsX99) results in a premature termination codon, predicted to cause a truncation of the encoded protein or absence of the protein due to nonsense mediated decay, which are commonly known mechanisms for disease. At least one publication reports experimental evidence that this variant affects mRNA splicing, resulting in the skipping of exon 5 (Muzza_2014). The variant allele was found at a frequency of 0.00084 in 146776 control chromosomes. This frequency is not significantly higher than estimated for disease-causing variants in DUOX2, allowing no conclusion about variant significance. c.602dupG has been observed in individual(s) affected with DUOX2-related conditions (eg. Muzza_2014). These data indicate that the variant may be associated with disease. The following publication has been ascertained in the context of this evaluation (PMID: 24423310). ClinVar contains an entry for this variant (Variation ID: 279800). Based on the evidence outlined above, the variant was classified as pathogenic.

PreventionGenetics, part of Exact Sciences
Classification: Likely pathogenic for DUOX2-related condition. Last evaluated: 2026-05-30. Review status: criteria provided, single submitter. Criteria: ACMG Guidelines, 2015. Collection method: clinical testing. Allele origin: germline.
Comment: The DUOX2 c.602dupG variant is predicted to result in a frameshift and premature protein termination (p.Gln202Thrfs*99). This variant has been reported in the compound heterozygous state in patients with congenital hypothyroidism (see for example: Long et al. 2021. PubMed ID: 34539567; Muzza et al. 2014. PubMed ID: 24423310; Zhang et al. 2023. PubMed ID: 37390946) and has been reported to lead to skipping of exon 5 in cDNA (Pfarr et al. 2006. PubMed ID: 17121535; Muzza et al. 2014. PubMed ID: 24423310). This variant is reported in 0.16% of alleles in individuals of European (Non-Finnish) descent in gnomAD, however, this variant falls within a highly paralogous region, and therefore allele frequency data should be interpreted with caution. Frameshift variants in DUOX2 are expected to be pathogenic. This variant is interpreted as likely pathogenic.

OLLIN Analises Genomicas, OLLIN
Classification: Pathogenic for Thyroid dyshormonogenesis 6. Last evaluated: 2026-02-13. Review status: criteria provided, single submitter. Criteria: ACMG Guidelines 2015 PMID 25741868. Collection method: clinical testing. Allele origin: germline. Observed: 1 variant allele.
Comment: PVS1, PM3_VS, PP1

Dasa
Classification: Likely pathogenic. Last evaluated: 2025-11-11. Review status: criteria provided, single submitter. Criteria: DASA Assertion Criteria. Collection method: clinical testing. Allele origin: germline.
Comment: NM_001363711.2(DUOX2):c.602dup (p.Gln202ThrfsTer99) is a frameshift variant in DUOX2 predicted to alter the reading frame and introduce a premature termination codon and is predicted to result in an absent or altered protein product. Loss of function is an established disease mechanism for DUOX2-associated disorders. This variant has been recurrently observed in individuals with DUOX2-related disorders (PMID: 27557340; PMID: 17121535; PMID: 24423310). Also, this variant is rare in population databases. Based on the currently available evidence, this variant is classified as likely pathogenic.

Greenwood Genetic Center Diagnostic Laboratories, Greenwood Genetic Center
Classification: Pathogenic for Thyroid dyshormonogenesis 6. Last evaluated: 2024-12-17. Review status: criteria provided, single submitter. Criteria: ACMG Guidelines, 2015. Collection method: clinical testing. Allele origin: germline. Affected: yes.
Comment: PVS1, PS3_Moderate, PM3_Very Strong

Labcorp Genetics (formerly Invitae), Labcorp
Classification: Pathogenic. Last evaluated: 2023-10-11. Review status: criteria provided, single submitter. Criteria: Invitae Variant Classification Sherloc (09022015). Collection method: clinical testing. Allele origin: germline.
Comment: This sequence change creates a premature translational stop signal (p.Gln202Thrfs*99) in the DUOX2 gene. It is expected to result in an absent or disrupted protein product. Loss-of-function variants in DUOX2 are known to be pathogenic (PMID: 12110737, 18765513, 21565790, 24423310, 24735383). This variant is present in population databases (rs567500345, gnomAD 0.2%), and has an allele count higher than expected for a pathogenic variant. This premature translational stop signal has been observed in individual(s) with congenital primary hypothyroidism (PMID: 17121535, 24423310, 27557340). In at least one individual the data is consistent with being in trans (on the opposite chromosome) from a pathogenic variant. It has also been observed to segregate with disease in related individuals. This variant is also known as ins602g. ClinVar contains an entry for this variant (Variation ID: 279800). For these reasons, this variant has been classified as Pathogenic.

Victorian Clinical Genetics Services, Murdoch Childrens Research Institute
Classification: Pathogenic for Thyroid dyshormonogenesis 6. Last evaluated: 2023-07-17. Review status: criteria provided, single submitter. Criteria: ACMG Guidelines, 2015. Collection method: clinical testing. Allele origin: germline. Inheritance: Autosomal recessive inheritance. Affected: yes.
Comment: Based on the classification scheme VCGS_Germline_v1.3.4, this variant is classified as Pathogenic. Following criteria are met: 0102 - Loss of function is a known mechanism of disease in this gene and is associated with thyroid dyshormonogenesis 6 (MIM#607200). An additional association (inflammatory bowel disease, MONDO:0005265, DUOX2-related) has been described but is not yet established (PanelApp). (I) 0106 - This gene is associated with autosomal recessive disease. A monoallelic association has been described, but oligogenic inheritance or a missed second hit cannot be excluded (PMID: 31044655). (I) 0210 - Splice site variant proven to affect splicing of the transcript with a known effect on protein sequence. Functional studies have proven this variant results in exon skipping, and the formation of a premature termination codon. The resulting protein is expected to undergo nonsense-mediated decay (NMD) (PMID: 24423310). (SP) 0251 - This variant is heterozygous. (I) 0304 - Variant is present in gnomAD (v2) <0.01 for a recessive condition (153 heterozygotes, 0 homozygotes). (SP) 0701 - Other NMD-predicted variants comparable to the one identified in this case have very strong previous evidence for pathogenicity. These comparable changes have been reported many times as pathogenic (DECIPHER). (SP) 0801 - This variant has strong previous evidence of pathogenicity in unrelated individuals. This variant has been reported many times as pathogenic and likely pathogenic, and have been observed in compound heterozygous and homozygous individuals with congenital hypothyroidism (ClinVar, PMID: 31044655, PMID: 24423310). (I) Legend: (SP) - Supporting pathogenic, (I) - Information, (SB) - Supporting benign

Department of Pathology and Laboratory Medicine, Sinai Health System
Classification: Pathogenic for Familial thyroid dyshormonogenesis; Thyroid dyshormonogenesis 6. Last evaluated: 2023-03-31. Review status: criteria provided, single submitter. Criteria: ACMG Guidelines, 2015. Collection method: research. Allele origin: germline.

GeneDx
Classification: Pathogenic. Last evaluated: 2022-12-27. Review status: criteria provided, single submitter. Criteria: GeneDx Variant Classification Process June 2021. Collection method: clinical testing. Allele origin: germline. Affected: yes.
Comment: Observed as a single heterozygous variant in multiple individuals in published literature with congenital hypothyroidism (Tan et al., 2016; Sasivari et al., 2019); Frameshift variant predicted to result in protein truncation or nonsense mediated decay in a gene for which loss-of-function is a known mechanism of disease; This variant is associated with the following publications: (PMID: 24423310, 34539567, 34200080, 27557340, 28633507, 31541602, 28648510, 17121535, 29650690, 31980526, 31589614, 33651715)

Fulgent Genetics
Classification: Pathogenic for Thyroid dyshormonogenesis 6. Last evaluated: 2022-01-21. Review status: criteria provided, single submitter. Criteria: ACMG Guidelines, 2015. Collection method: clinical testing. Allele origin: unknown.